The following is an entry in ClinVar:

ClinVar aggregate classification (germline): Uncertain significance (1 of 4 stars; one submission).

Submission:

Labcorp Genetics (formerly Invitae), Labcorp
Classification: Uncertain significance. Last evaluated: 2024-07-19. Review status: criteria provided, single submitter. Criteria: Invitae Variant Classification Sherloc (09022015). Collection method: clinical testing. Allele origin: germline.
Comment: This sequence change falls in intron 18 of the ABCC8 gene. It does not directly change the encoded amino acid sequence of the ABCC8 protein. It affects a nucleotide within the consensus splice site. The frequency data for this variant in the population databases is considered unreliable, as metrics indicate poor data quality at this position in the gnomAD database. This variant has not been reported in the literature in individuals affected with ABCC8-related conditions. Variants that disrupt the consensus splice site are a relatively common cause of aberrant splicing (PMID: 17576681, 9536098). Algorithms developed to predict the effect of sequence changes on RNA splicing suggest that this variant is not likely to affect RNA splicing. In summary, the available evidence is currently insufficient to determine the role of this variant in disease. Therefore, it has been classified as a Variant of Uncertain Significance.

Literature cited by the submitters: PubMed 17576681; PubMed 9536098.

NM_000352.6(ABCC8):c.2291+4C>T

Gene: ABCC8 (ATP binding cassette subfamily C member 8; minus strand). Cytogenetic location: 11p15.1.
Variant type: single nucleotide variant.
Coding change: c.2291+4C>T on transcript NM_000352.6 (MANE Select); 4 bases into the intron after coding-DNA position 2291, C replaced by T.
Molecular consequence: intron variant.
Genome position (GRCh38, 1-based): chr11:17,415,300, G>A on the plus strand (C>T on the coding strand, the complement: ABCC8 is on the minus strand). VCF-style: chr11-17415300-G-A. GRCh37 (hg19) VCF-style: chr11-17436847-G-A.
Other names: c.2288+4C>T (NM_001351297.2); c.2291+4C>T (NM_001351296.2); c.2357+4C>T (NM_001351295.2); c.2294+4C>T (NM_001287174.3).
Identifiers: ClinVar variation 3631992 (VCV003631992.2).